The following is an entry in ClinVar:

ClinVar aggregate classification (germline): Uncertain significance. Review status: criteria provided, multiple submitters, no conflicts (2 of 4 stars). 2 submissions from 2 submitters: Uncertain significance (2). Last evaluated 2023-10-03.

Conditions:
Autosomal dominant nonsyndromic hearing loss 23. Identifiers: Orphanet 90635, MedGen C1854594, MONDO:0011519, OMIM 605192.
Branchiootic syndrome 3 (BOS3). Also called: BO SYNDROME 3. Identifiers: MedGen C1842124, MONDO:0012025, OMIM 608389.

Allele frequency attached by ClinVar (database versions not stated): gnomAD exomes below 0.00001; ExAC 0.00001; gnomAD 0.00001; TOPMed 0.00001; ESP Exome Variant Server 0.00008.
gnomAD v4.1: 8 of 1,614,048 alleles (0.0005%); highest among the groups gnomAD compares: Non-Finnish European, 0.00068%; no homozygotes.

Submissions (2):

GeneDx
Classification: Uncertain significance. Last evaluated: 2023-10-03. Review status: criteria provided, single submitter. Criteria: GeneDx Variant Classification Process June 2021. Collection method: clinical testing. Allele origin: germline. Affected: yes.
Comment: Not observed at significant frequency in large population cohorts (gnomAD); In silico analysis supports that this missense variant does not alter protein structure/function; Has not been previously published as pathogenic or benign to our knowledge

Labcorp Genetics (formerly Invitae), Labcorp
Classification: Uncertain significance for Autosomal dominant nonsyndromic hearing loss 23; Branchiootic syndrome 3. Last evaluated: 2023-07-12. Review status: criteria provided, single submitter. Criteria: Invitae Variant Classification Sherloc (09022015). Collection method: clinical testing. Allele origin: germline.
Comment: This sequence change replaces valine, which is neutral and non-polar, with isoleucine, which is neutral and non-polar, at codon 168 of the SIX1 protein (p.Val168Ile). This variant is present in population databases (rs371998997, gnomAD 0.002%). This variant has not been reported in the literature in individuals affected with SIX1-related conditions. Advanced modeling of protein sequence and biophysical properties (such as structural, functional, and spatial information, amino acid conservation, physicochemical variation, residue mobility, and thermodynamic stability) performed at Invitae indicates that this missense variant is not expected to disrupt SIX1 protein function. Algorithms developed to predict the effect of sequence changes on RNA splicing suggest that this variant may disrupt the consensus splice site. In summary, the available evidence is currently insufficient to determine the role of this variant in disease. Therefore, it has been classified as a Variant of Uncertain Significance.

NM_005982.4(SIX1):c.502G>A (p.Val168Ile)

Genes: MIR9718 (microRNA 9718; plus strand), SIX1 (SIX homeobox 1; minus strand). Cytogenetic location: 14q23.1.
Variant type: single nucleotide variant.
Coding change: c.502G>A on transcript NM_005982.4 (MANE Select); coding-DNA position 502, G replaced by A.
Protein change: p.Val168Ile; replaces valine 168 with isoleucine.
Molecular consequence: missense variant. On other transcripts: non-coding transcript variant (1).
Genome position (GRCh38, 1-based): chr14:60,648,688, C>T on the plus strand (G>A on the coding strand, the complement: SIX1 is on the minus strand). VCF-style: chr14-60648688-C-T. GRCh37 (hg19) VCF-style: chr14-61115406-C-T.
Other names: short protein forms V168I.
Identifiers: ClinVar variation 2662938 (VCV002662938.4), dbSNP rs371998997, ClinGen allele CA7212801.